The following is an entry in ClinVar:

NM_001375808.2(LPIN2):c.1269-249C>T

Gene: LPIN2 (lipin 2; minus strand). Cytogenetic location: 18p11.31.
Variant type: single nucleotide variant.
Coding change: c.1269-249C>T on transcript NM_001375808.2 (MANE Select); 249 bases into the intron before coding-DNA position 1269, C replaced by T.
Molecular consequence: intron variant.
Genome position (GRCh38, 1-based): chr18:2,931,692, G>A on the plus strand (C>T on the coding strand, the complement: LPIN2 is on the minus strand). VCF-style: chr18-2931692-G-A. GRCh37 (hg19) VCF-style: chr18-2931690-G-A.
Other names: c.1269-249C>T (NM_014646.2, NM_001375809.1).
Identifiers: ClinVar variation 676924 (VCV000676924.1), dbSNP rs3786401, ClinGen allele CA295502814.
Genomic context (GRCh38, chr18:2,931,692, plus strand): 5'-TAATATAGTACCAGTGAGAAATTAACTGTGAATATAGTAAATACGTCACAAAATCACCAC[G>A]GTCATTCACAATAATGCAAACATTTCAACTGTGGCCTTTCTGATTTTTAATTAAAGGAGT-3'

ClinVar aggregate classification (germline): Benign (1 of 4 stars; one submission).

Allele frequency attached by ClinVar (database versions not stated): 1000 Genomes Project 30x 0.04903; 1000 Genomes Project 0.04952; TOPMed 0.06801; gnomAD 0.06935 and 0.06971.
gnomAD v4.1: 10,652 of 152,136 alleles (7%); highest among the groups gnomAD compares: Non-Finnish European, 9.6%; 446 homozygotes.

Submission:

GeneDx
Classification: Benign. Last evaluated: 2018-06-14. Review status: criteria provided, single submitter. Criteria: GeneDx Variant Classification (06012015). Collection method: clinical testing. Allele origin: germline. Affected: yes.
Comment: This variant is considered likely benign or benign based on one or more of the following criteria: it is a conservative change, it occurs at a poorly conserved position in the protein, it is predicted to be benign by multiple in silico algorithms, and/or has population frequency not consistent with disease.